The following is an entry in ClinVar:

NM_001042492.3(NF1):c.1768del (p.Met590fs)

Gene: NF1 (neurofibromin 1; plus strand). Cytogenetic location: 17q11.2.
Variant type: Deletion.
Coding change: c.1768del on transcript NM_001042492.3 (MANE Select); coding-DNA position 1768, one base deleted (A; older notation c.1768delA).
Protein change: p.Met590fs; shifts the reading frame from methionine 590.
Molecular consequence: frameshift variant.
Genome position (GRCh38, 1-based): chr17:31,223,490, A deleted; the last of 3 consecutive A bases (chr17:31,223,488-31,223,490); deleting any one gives the same sequence. VCF-style (leftmost placement, unchanged base first): chr17-31223487-CA-C. GRCh37 (hg19) VCF-style: chr17-29550505-CA-C.
Other names: c.1768delA, p.Met590Cysfs (NM_000267.4); short protein forms M590fs.
Identifiers: ClinVar variation 1703700 (VCV001703700.4), dbSNP rs2508125537, ClinGen allele CA2580092833.

ClinVar aggregate classification (germline): Pathogenic. Review status: criteria provided, multiple submitters, no conflicts (2 of 4 stars). 2 submissions from 2 submitters: Pathogenic (2). Last evaluated 2025-07-23.

Conditions:
Neurofibromatosis, type 1 (NF1). Also called: VON RECKLINGHAUSEN DISEASE; NEUROFIBROMATOSIS, TYPE I, SOMATIC; Peripheral type neurofibromatosis; Neurofibromatosis, type I. Identifiers: Orphanet 636, MedGen C0027831, MONDO:0018975, OMIM 162200. Disease mechanism: loss of function.

Submissions (2):

GeneDx
Classification: Pathogenic. Last evaluated: 2025-07-23. Review status: criteria provided, single submitter. Criteria: GeneDx Variant Classification Process June 2021. Collection method: clinical testing. Allele origin: germline. Affected: yes.
Comment: Frameshift variant predicted to result in protein truncation or nonsense mediated decay in a gene for which loss of function is a known mechanism of disease; Apparently de novo variant in a patient with a neurological disorder in the published literature (PMID: 31031587); Not observed at significant frequency in large population cohorts (gnomAD); Also known as c.1766delA (p.Q589fs); This variant is associated with the following publications: (PMID: 31031587)

Institute of Medical Genetics, University of Zurich
Classification: Pathogenic for Neurofibromatosis, type 1. Last evaluated: 2022-05-08. Review status: criteria provided, single submitter. Criteria: ACMG Guidelines, 2015. Collection method: clinical testing. Allele origin: unknown. Affected: yes.